The following is an entry in ClinVar:

NM_153700.2(STRC):c.4171C>T (p.Arg1391Cys)

Gene: STRC (stereocilin; minus strand). Cytogenetic location: 15q15.3.
Variant type: single nucleotide variant.
Coding change: c.4171C>T on transcript NM_153700.2 (MANE Select); coding-DNA position 4171, C replaced by T.
Protein change: p.Arg1391Cys; replaces arginine 1391 with cysteine.
Molecular consequence: missense variant.
Genome position (GRCh38, 1-based): chr15:43,604,408, G>A on the plus strand (C>T on the coding strand, the complement: STRC is on the minus strand). VCF-style: chr15-43604408-G-A. GRCh37 (hg19) VCF-style: chr15-43896606-G-A.
Other names: short protein forms R1391C.
Identifiers: ClinVar variation 517451 (VCV000517451.7), dbSNP rs376104748, ClinGen allele CA7528124.
Genomic context (GRCh38, chr15:43,604,408, plus strand): 5'-TCCTTCATCTCACCCTGGGGATCAAGGAAATTGCCTCAGTAGACAGAGTGAATACTAGGC[G>A]TCCAGCTTGCTCTACTTCATCCTGGCTCCACAACTCTGGTTTCCTGGGGACAGGAAGAAA-3'
Protein context (NP_714544.1, residues 1381-1401): WSQDEVEQAG[Arg1391Cys]LVFTLSTEAI

ClinVar aggregate classification (germline): Conflicting classifications of pathogenicity. Review status: criteria provided, conflicting classifications (1 of 4 stars). 3 submissions from 3 submitters: Likely pathogenic (1); Uncertain significance (2). Last evaluated 2025-01-09.

Conditions:
Autosomal recessive nonsyndromic hearing loss 16. Also called: DEAFNESS, AUTOSOMAL RECESSIVE 16; DFNB16 Nonsyndromic Hearing Loss and Deafness. Identifiers: Orphanet 90636, MedGen C1863561, MONDO:0011364, OMIM 603720.

Allele frequency attached by ClinVar (database versions not stated): 1000 Genomes Project 30x 0.00016; 1000 Genomes Project 0.00020.
gnomAD v4.1: 25 of 1,587,164 alleles (0.0016%); highest among the groups gnomAD compares: East Asian, 0.009%; no homozygotes.

Submissions (3):

Institute of Rare Diseases, West China Hospital, Sichuan University
Classification: Likely pathogenic for Autosomal recessive nonsyndromic hearing loss 16. Last evaluated: 2025-01-09. Review status: criteria provided, single submitter. Criteria: ClinGen HL ACMG Specifications v1. Collection method: research. Allele origin: germline. Affected: yes.
Comment: PM3;PM5;PM2_Supporting;PP3

Blueprint Genetics
Classification: Uncertain significance. Last evaluated: 2024-09-10. Review status: criteria provided, single submitter. Criteria: ACMG Guidelines, 2015. Collection method: clinical testing. Allele origin: germline.

Laboratory for Molecular Medicine, Mass General Brigham Personalized Medicine
Classification: Uncertain significance. Last evaluated: 2017-07-05. Review status: criteria provided, single submitter. Criteria: LMM Criteria. Collection method: clinical testing. Allele origin: germline. Observed: 1 variant allele.
Comment: The p.Arg1391Cys variant in STRC has not been previously reported in individuals with hearing loss, but another variant p.Arg1391Gly at this position has been r eported (Francey 2012). The p.Arg1391Cys variant has been identified in 2/77550 European chromosomes and 2/28082 Latino chromosomes by the Genome Aggregation Da tabase (gnomAD; dbSNP rs376104748). While the arginine (Arg) at position 1391 is conserved in mammals and evolutionary distan t species, 1 species (gorilla) carries a cysteine (Cys), raising the possibility that this change at this position may be tolerated. Additional computational pr ediction tools suggest that this variant may impact the protein, though this inf ormation is not predictive enough to determine pathogenicity. In summary, the cl inical significance of the p.Arg1391Cys variant is uncertain.

Literature cited by the submitters: PubMed 22147502 (cited by Laboratory for Molecular Medicine, Mass General Brigham Personalized Medicine).